The following is an entry in ClinVar:

NM_000051.4(ATM):c.3677A>T (p.Asp1226Val)

Gene: ATM (ATM serine/threonine kinase; plus strand). Cytogenetic location: 11q22.3.
Variant type: single nucleotide variant.
Coding change: c.3677A>T on transcript NM_000051.4 (MANE Select); coding-DNA position 3677, A replaced by T.
Protein change: p.Asp1226Val; replaces aspartic acid 1226 with valine.
Molecular consequence: missense variant.
Genome position (GRCh38, 1-based): chr11:108,282,810, A>T. VCF-style: chr11-108282810-A-T. GRCh37 (hg19) VCF-style: chr11-108153537-A-T.
Other names: c.3677A>T, p.Asp1226Val (NM_001351834.2); short protein forms D1226V.
Identifiers: ClinVar variation 485176 (VCV000485176.16), dbSNP rs1555092445, ClinGen allele CA382523292.

ClinVar aggregate classification (germline): Uncertain significance. Review status: criteria provided, multiple submitters, no conflicts (2 of 4 stars). 4 submissions from 4 submitters: Uncertain significance (4). Last evaluated 2023-12-08.

Conditions:
Hereditary cancer-predisposing syndrome. Also called: Hereditary neoplastic syndrome; Neoplastic Syndromes, Hereditary; Tumor predisposition; Hereditary Cancer Syndrome. Identifiers: Orphanet 140162, MedGen C0027672, MeSH D009386, MONDO:0015356.
Ataxia-telangiectasia syndrome (AT). Also called: LOUIS-BAR SYNDROME; Cerebello-oculocutaneous telangiectasia; Immunodeficiency with ataxia telangiectasia; AT, COMPLEMENTATION GROUP C; Ataxia-telangiectasia, complementation group D; ATAXIA-TELANGIECTASIA, COMPLEMENTATION GROUP A. Identifiers: Orphanet 100, MedGen C0004135, MONDO:0008840, OMIM 208900.

gnomAD v4.1: 1 of 1,565,134 alleles (0.000064%); highest among the groups gnomAD compares: Non-Finnish European, 0.000088%; no homozygotes.

Submissions (4):

Color Diagnostics, LLC DBA Color Health
Classification: Uncertain significance for Hereditary cancer-predisposing syndrome. Last evaluated: 2023-12-08. Review status: criteria provided, single submitter. Criteria: ACMG Guidelines, 2015. Collection method: clinical testing. Allele origin: germline.
Comment: This missense variant replaces aspartic acid with valine at codon 1226 of the ATM protein. Computational prediction suggests that this variant may not impact protein structure and function (internally defined REVEL score threshold <= 0.5, PMID: 27666373). To our knowledge, functional studies have not been reported for this variant. This variant has not been reported in individuals affected with ATM-related disorders in the literature. This variant has not been identified in the general population by the Genome Aggregation Database (gnomAD). The available evidence is insufficient to determine the role of this variant in disease conclusively. Therefore, this variant is classified as a Variant of Uncertain Significance.

Labcorp Genetics (formerly Invitae), Labcorp
Classification: Uncertain significance for Ataxia-telangiectasia syndrome. Last evaluated: 2023-04-14. Review status: criteria provided, single submitter. Criteria: Invitae Variant Classification Sherloc (09022015). Collection method: clinical testing. Allele origin: germline.
Comment: This variant has not been reported in the literature in individuals affected with ATM-related conditions. This variant is not present in population databases (gnomAD no frequency). This sequence change replaces aspartic acid, which is acidic and polar, with valine, which is neutral and non-polar, at codon 1226 of the ATM protein (p.Asp1226Val). ClinVar contains an entry for this variant (Variation ID: 485176). In summary, the available evidence is currently insufficient to determine the role of this variant in disease. Therefore, it has been classified as a Variant of Uncertain Significance. An algorithm developed to predict the effect of missense changes on protein structure and function (PolyPhen-2) suggests that this variant is likely to be tolerated.

Women's Health and Genetics/Laboratory Corporation of America, LabCorp
Classification: Uncertain significance. Last evaluated: 2022-11-25. Review status: criteria provided, single submitter. Criteria: LabCorp Variant Classification Summary - May 2015. Collection method: clinical testing. Allele origin: germline.

Ambry Genetics
Classification: Uncertain significance for Hereditary cancer-predisposing syndrome. Last evaluated: 2016-01-08. Review status: criteria provided, single submitter. Criteria: Ambry Variant Classification Scheme 2023. Collection method: clinical testing. Allele origin: germline.
Comment: The p.D1226V variant (also known as c.3677A>T), located in coding exon 24 of the ATM gene, results from an A to T substitution at nucleotide position 3677. The aspartic acid at codon 1226 is replaced by valine, an amino acid with highly dissimilar properties. This variant was not reported in population based cohorts in the following databases: Database of Single Nucleotide Polymorphisms (dbSNP), NHLBI Exome Sequencing Project (ESP), and 1000 Genomes Project. In the ESP, this variant was not observed in 6491 samples (12982 alleles) with coverage at this position. To date, this alteration has been detected with an allele frequency of approximately 0.001% (greater than 125000 alleles tested) in our clinical cohort. This amino acid position is well conserved in available vertebrate species. In addition, this alteration is predicted to be tolerated by in silico analysis. Since supporting evidence is limited at this time, the clinical significance of p.D1226V remains unclear.